The following is an entry in ClinVar:

NM_144499.3(GNAT1):c.66C>T (p.Asp22=)

Gene: GNAT1 (G protein subunit alpha transducin 1; plus strand). Cytogenetic location: 3p21.31.
Variant type: single nucleotide variant.
Coding change: c.66C>T on transcript NM_144499.3 (MANE Select); coding-DNA position 66, C replaced by T.
Protein change: p.Asp22=; no amino-acid change (aspartic acid 22 retained).
Molecular consequence: synonymous variant.
Genome position (GRCh38, 1-based): chr3:50,191,791, C>T. VCF-style: chr3-50191791-C-T. GRCh37 (hg19) VCF-style: chr3-50229224-C-T.
Other names: c.66C>T, p.Asp22= (NM_000172.4); c.66C>T (NM_144499.2).
Identifiers: ClinVar variation 1127053 (VCV001127053.30), dbSNP rs367565550, ClinGen allele CA2412429.

ClinVar aggregate classification (germline): Likely benign. Review status: criteria provided, multiple submitters, no conflicts (2 of 4 stars). 4 submissions from 4 submitters: Likely benign (3). 1 of the submissions does not count toward it. Last evaluated 2024-10-18.

Conditions:
GNAT1-related disorder. Also called: GNAT1-related condition.

Allele frequency attached by ClinVar (database versions not stated): TOPMed 0.00005; gnomAD exomes 0.00006 and 0.00010; ExAC 0.00007; ESP Exome Variant Server 0.00008; gnomAD 0.00008 and 0.00009.
gnomAD v4.1: 101 of 1,613,782 alleles (0.0063%); highest among the groups gnomAD compares: Middle Eastern, 0.016%; no homozygotes.

Submissions (4):

Blueprint Genetics
Classification: Likely benign. Last evaluated: 2024-10-18. Review status: criteria provided, single submitter. Criteria: ACMG Guidelines, 2015. Collection method: clinical testing. Allele origin: germline.

Labcorp Genetics (formerly Invitae), Labcorp
Classification: Likely benign. Last evaluated: 2024-09-15. Review status: criteria provided, single submitter. Criteria: Invitae Variant Classification Sherloc (09022015). Collection method: clinical testing. Allele origin: germline.

CeGaT Center for Human Genetics Tuebingen
Classification: Likely benign. Last evaluated: 2024-01-01. Review status: criteria provided, single submitter. Criteria: CeGaT Center For Human Genetics Tuebingen Variant Classification Criteria Version 2. Collection method: clinical testing. Allele origin: germline. Affected: yes. Observed: 1 variant allele.
Comment: GNAT1: BP4, BP7

PreventionGenetics, part of Exact Sciences
Classification: Likely benign for GNAT1-related condition. Last evaluated: 2024-07-10. Review status: no assertion criteria provided. Collection method: clinical testing. Allele origin: germline. Not counted in ClinVar's aggregate classification.
Comment: This variant is classified as likely benign based on ACMG/AMP sequence variant interpretation guidelines (Richards et al. 2015 PMID: 25741868, with internal and published modifications).